The following is an entry in ClinVar:

ClinVar aggregate classification (germline): Uncertain significance (1 of 4 stars; one submission).

Allele frequency attached by ClinVar (database versions not stated): TOPMed below 0.00001; gnomAD 0.00001.

Submission:

Labcorp Genetics (formerly Invitae), Labcorp
Classification: Uncertain significance. Last evaluated: 2021-12-30. Review status: criteria provided, single submitter. Criteria: Invitae Variant Classification Sherloc (09022015). Collection method: clinical testing. Allele origin: germline.
Comment: In summary, the available evidence is currently insufficient to determine the role of this variant in disease. Therefore, it has been classified as a Variant of Uncertain Significance. Variants that disrupt the consensus splice site are a relatively common cause of aberrant splicing (PMID: 17576681, 9536098). Algorithms developed to predict the effect of sequence changes on RNA splicing suggest that this variant may disrupt the consensus splice site. This variant has not been reported in the literature in individuals affected with ZCCHC8-related conditions. This variant is not present in population databases (gnomAD no frequency). This sequence change falls in intron 3 of the ZCCHC8 gene. It does not directly change the encoded amino acid sequence of the ZCCHC8 protein. It affects a nucleotide within the consensus splice site.

Literature cited by the submitters: PubMed 17576681; PubMed 9536098.

NM_017612.5(ZCCHC8):c.317+2dup

Gene: ZCCHC8 (zinc finger CCHC-type containing 8; minus strand). Cytogenetic location: 12q24.31.
Variant type: Duplication.
Coding change: c.317+2dup on transcript NM_017612.5 (MANE Select); the canonical splice donor site of the intron after coding-DNA position 317, one base duplicated (T; older notation c.317+2dupT).
Molecular consequence: splice donor variant.
Genome position (GRCh38, 1-based): chr12:122,492,713, A duplicated on the plus strand (T on the coding strand, the reverse complement: ZCCHC8 is on the minus strand). VCF-style (leftmost placement, unchanged base first): chr12-122492712-T-TA. GRCh37 (hg19) VCF-style: chr12-122977259-T-TA.
Other names: c.-122+2dup (NM_001350938.2); c.317+2dup (NM_001350935.2); c.-228+2dup (NM_001350937.2); c.20+2dup (NM_001350936.2).
Identifiers: ClinVar variation 2066769 (VCV002066769.4), dbSNP rs1371028824, ClinGen allele CA684612311.